The following is an entry in ClinVar:

ClinVar aggregate classification (germline): Uncertain significance (1 of 4 stars; one submission).

Submission:

CeGaT Center for Human Genetics Tuebingen
Classification: Uncertain significance. Last evaluated: 2025-07-01. Review status: criteria provided, single submitter. Criteria: CeGaT Center For Human Genetics Tuebingen Variant Classification Criteria Version 2. Collection method: clinical testing. Allele origin: germline. Affected: yes. Observed: 1 variant allele.
Comment: PLIN4: PM2, BP4

NM_001367868.2(PLIN4):c.3820T>C (p.Cys1274Arg)

Gene: PLIN4 (perilipin 4; minus strand). Cytogenetic location: 19p13.3.
Variant type: single nucleotide variant.
Coding change: c.3820T>C on transcript NM_001367868.2 (MANE Select); coding-DNA position 3820, T replaced by C.
Protein change: p.Cys1274Arg; replaces cysteine 1274 with arginine.
Molecular consequence: missense variant.
Genome position (GRCh38, 1-based): chr19:4,504,755, A>G on the plus strand (T>C on the coding strand, the complement: PLIN4 is on the minus strand). VCF-style: chr19-4504755-A-G. GRCh37 (hg19) VCF-style: chr19-4504767-A-G.
Other names: c.3823T>C, p.Cys1275Arg (NM_001393888.1, NM_001393889.1); c.3820T>C, p.Cys1274Arg (NM_001393890.1, NM_001393891.1); short protein forms C1274R, C1275R.
Identifiers: ClinVar variation 4085634 (VCV004085634.8).